The following is an entry in ClinVar:

ClinVar aggregate classification (germline): Uncertain significance. Review status: criteria provided, multiple submitters, no conflicts (2 of 4 stars). 2 submissions from 2 submitters: Uncertain significance (2). Last evaluated 2023-08-28.

Conditions:
Axenfeld-Rieger syndrome type 3 (RIEG3). Also called: AXENFELD-RIEGER ANOMALY WITH CARDIAC DEFECTS AND/OR SENSORINEURAL HEARING LOSS. Identifiers: Orphanet 782, MedGen C2678503, MONDO:0011233, OMIM 602482.

Submissions (2):

GeneDx
Classification: Uncertain significance. Last evaluated: 2023-08-28. Review status: criteria provided, single submitter. Criteria: GeneDx Variant Classification Process June 2021. Collection method: clinical testing. Allele origin: germline. Affected: yes.
Comment: Identified in a patient with congenital glaucoma in published literature (Siggs et al., 2019); Not observed at significant frequency in large population cohorts (gnomAD); In silico analysis supports that this missense variant has a deleterious effect on protein structure/function; This variant is associated with the following publications: (PMID: 31836490, 30653210)

Genetics and Molecular Pathology, SA Pathology
Classification: Uncertain significance for Axenfeld-Rieger syndrome type 3. Last evaluated: 2016-08-22. Review status: criteria provided, single submitter. Criteria: ACMG Guidelines, 2015. Collection method: clinical testing. Allele origin: unknown. Inheritance: Autosomal dominant inheritance. Affected: yes. Observed: 1 variant allele, 1 heterozygote.

NM_001453.3(FOXC1):c.269C>A (p.Ala90Asp)

Genes: FOXC1 (forkhead box C1; plus strand), LOC129995601 (ATAC-STARR-seq lymphoblastoid active region 23864; plus strand). Cytogenetic location: 6p25.3.
Variant type: single nucleotide variant.
Coding change: c.269C>A on transcript NM_001453.3 (MANE Select); coding-DNA position 269, C replaced by A.
Protein change: p.Ala90Asp; replaces alanine 90 with aspartic acid.
Molecular consequence: missense variant.
Genome position (GRCh38, 1-based): chr6:1,610,714, C>A. VCF-style: chr6-1610714-C-A. GRCh37 (hg19) VCF-style: chr6-1610949-C-A.
Other names: short protein forms A90D.
Identifiers: ClinVar variation 375423 (VCV000375423.4), dbSNP rs1057519474, ClinGen allele CA16044262.